The following is an entry in ClinVar:

NM_002049.4(GATA1):c.322A>T (p.Thr108Ser)

Gene: GATA1 (GATA binding protein 1; plus strand). Cytogenetic location: Xp11.23.
Variant type: single nucleotide variant.
Coding change: c.322A>T on transcript NM_002049.4 (MANE Select); coding-DNA position 322, A replaced by T.
Protein change: p.Thr108Ser; replaces threonine 108 with serine.
Molecular consequence: missense variant.
Genome position (GRCh38, 1-based): chrX:48,791,945, A>T. VCF-style: chrX-48791945-A-T. GRCh37 (hg19) VCF-style: chrX-48650352-A-T.
Other names: short protein forms T108S.
Identifiers: ClinVar variation 2067597 (VCV002067597.4), dbSNP rs2147306265, ClinGen allele CA412868294.

ClinVar aggregate classification (germline): Uncertain significance (1 of 4 stars; one submission).

Conditions:
Diamond-Blackfan anemia. Also called: Blackfan Diamond syndrome; Aregenerative anemia chronic congenital; Red cell aplasia, pure hereditary; Congenital hypoplastic anemia; Aase syndrome. Identifiers: Orphanet 124, MedGen C1260899, MeSH D029503, MONDO:0015253, HP:0004810.
GATA binding protein 1 related thrombocytopenia with dyserythropoiesis. Also called: GATA1-Related X-Linked Cytopenia; GATA1-Related Cytopenia. Identifiers: MedGen C1845837, MONDO:0100089.

Submission:

Labcorp Genetics (formerly Invitae), Labcorp
Classification: Uncertain significance for GATA binding protein 1 related thrombocytopenia with dyserythropoiesis; Diamond-Blackfan anemia. Last evaluated: 2021-12-31. Review status: criteria provided, single submitter. Criteria: Invitae Variant Classification Sherloc (09022015). Collection method: clinical testing. Allele origin: germline.
Comment: In summary, the available evidence is currently insufficient to determine the role of this variant in disease. Therefore, it has been classified as a Variant of Uncertain Significance. Algorithms developed to predict the effect of missense changes on protein structure and function (SIFT, PolyPhen-2, Align-GVGD) all suggest that this variant is likely to be tolerated. This variant has not been reported in the literature in individuals affected with GATA1-related conditions. This variant is not present in population databases (gnomAD no frequency). This sequence change replaces threonine, which is neutral and polar, with serine, which is neutral and polar, at codon 108 of the GATA1 protein (p.Thr108Ser).